The following is an entry in ClinVar:

NM_004369.4(COL6A3):c.4684G>T (p.Val1562Leu)

Gene: COL6A3 (collagen type VI alpha 3 chain; minus strand). Cytogenetic location: 2q37.3.
Variant type: single nucleotide variant.
Coding change: c.4684G>T on transcript NM_004369.4 (MANE Select); coding-DNA position 4684, G replaced by T.
Protein change: p.Val1562Leu; replaces valine 1562 with leucine.
Molecular consequence: missense variant.
Genome position (GRCh38, 1-based): chr2:237,368,779, C>A on the plus strand (G>T on the coding strand, the complement: COL6A3 is on the minus strand). VCF-style: chr2-237368779-C-A. GRCh37 (hg19) VCF-style: chr2-238277422-C-A.
Other names: c.2863G>T, p.Val955Leu (NM_057166.5); c.4066G>T, p.Val1356Leu (NM_057167.4); short protein forms V1562L, V1356L, V955L.
Identifiers: ClinVar variation 476526 (VCV000476526.13), dbSNP rs1553557605, ClinGen allele CA351192541.

ClinVar aggregate classification (germline): Uncertain significance. Review status: criteria provided, multiple submitters, no conflicts (2 of 4 stars). 2 submissions from 2 submitters: Uncertain significance (2). Last evaluated 2025-07-30.

Conditions:
Bethlem myopathy 1A. Also called: Bethlem myopathy 1; MYOPATHY, BENIGN CONGENITAL, WITH CONTRACTURES; Bethlem Muscular Dystrophy. Identifiers: Orphanet 610, MedGen CN029274, MONDO:0024530, OMIM 158810.

Submissions (2):

Dasa
Classification: Uncertain significance. Last evaluated: 2025-07-30. Review status: criteria provided, single submitter. Criteria: DASA Assertion Criteria. Collection method: clinical testing. Allele origin: germline.
Comment: NM_004369.4(COL6A3):c.4684G>T (p.Val1562Leu) is a missense variant that results in the substitution of valine with leucine. This variant is absent from population databases. Computational prediction algorithms are consistent with a benign effect. The currently available literature and clinical evidence are not sufficient to establish a definitive association between this variant and the reported condition. Therefore, this variant is classified as a variant of uncertain significance.

Labcorp Genetics (formerly Invitae), Labcorp
Classification: Uncertain significance for Bethlem myopathy 1A. Last evaluated: 2024-06-14. Review status: criteria provided, single submitter. Criteria: Invitae Variant Classification Sherloc (09022015). Collection method: clinical testing. Allele origin: germline.
Comment: This sequence change replaces valine, which is neutral and non-polar, with leucine, which is neutral and non-polar, at codon 1562 of the COL6A3 protein (p.Val1562Leu). This variant is not present in population databases (gnomAD no frequency). This variant has not been reported in the literature in individuals affected with COL6A3-related conditions. ClinVar contains an entry for this variant (Variation ID: 476526). Advanced modeling of protein sequence and biophysical properties (such as structural, functional, and spatial information, amino acid conservation, physicochemical variation, residue mobility, and thermodynamic stability) performed at Invitae indicates that this missense variant is not expected to disrupt COL6A3 protein function with a negative predictive value of 80%. In summary, the available evidence is currently insufficient to determine the role of this variant in disease. Therefore, it has been classified as a Variant of Uncertain Significance.